The following is an entry in ClinVar:

ClinVar aggregate classification (germline): Uncertain significance (1 of 4 stars; one submission).

Submission:

CeGaT Center for Human Genetics Tuebingen
Classification: Uncertain significance. Last evaluated: 2026-01-01. Review status: criteria provided, single submitter. Criteria: CeGaT Center For Human Genetics Tuebingen Variant Classification Criteria Version 2. Collection method: clinical testing. Allele origin: germline. Affected: yes. Observed: 1 variant allele.
Comment: CAMSAP1: PM2, BP4

NM_015447.4(CAMSAP1):c.1742A>T (p.Asp581Val)

Gene: CAMSAP1 (calmodulin regulated spectrin associated protein 1; minus strand). Cytogenetic location: 9q34.3.
Variant type: single nucleotide variant.
Coding change: c.1742A>T on transcript NM_015447.4 (MANE Select); coding-DNA position 1742, A replaced by T.
Protein change: p.Asp581Val; replaces aspartic acid 581 with valine.
Molecular consequence: missense variant.
Genome position (GRCh38, 1-based): chr9:135,822,919, T>A on the plus strand (A>T on the coding strand, the complement: CAMSAP1 is on the minus strand). VCF-style: chr9-135822919-T-A. GRCh37 (hg19) VCF-style: chr9-138714765-T-A.
Other names: c.908A>T, p.Asp303Val (NM_001411031.1); c.1775A>T, p.Asp592Val (NM_001437279.1); c.1310A>T, p.Asp437Val (NM_001437280.1); c.1145A>T, p.Asp382Val (NM_001437281.1); short protein forms D303V, D382V, D437V, D581V, D592V.
Identifiers: ClinVar variation 4822830 (VCV004822830.4).
Genomic context (GRCh38, chr9:135,822,919, plus strand): 5'-TTAAGAACTGCTGGCATCAAAGGCTCCAAGAAAAAACTGTCAGGCTTACTTTCCGAGGTG[T>A]CCAGCTGTCCTTGGGGAGACCGGGCATTTGCTGTAAGGCCTAAGGCCCGGGGTGAGGCCC-3'
Protein context (NP_056262.3, residues 571-591): ANARSPQGQL[Asp581Val]TSESKPDSFF